The following is an entry in ClinVar:

NM_198525.3(KIF7):c.3197G>A (p.Arg1066His)

Gene: KIF7 (kinesin family member 7; minus strand). Cytogenetic location: 15q26.1.
Variant type: single nucleotide variant.
Coding change: c.3197G>A on transcript NM_198525.3 (MANE Select); coding-DNA position 3197, G replaced by A.
Protein change: p.Arg1066His; replaces arginine 1066 with histidine.
Molecular consequence: missense variant.
Genome position (GRCh38, 1-based): chr15:89,630,408, C>T on the plus strand (G>A on the coding strand, the complement: KIF7 is on the minus strand). VCF-style: chr15-89630408-C-T. GRCh37 (hg19) VCF-style: chr15-90173639-C-T.
Other names: short protein forms R1066H.
Identifiers: ClinVar variation 657716 (VCV000657716.9), dbSNP rs763937653, ClinGen allele CA7727802.
Genomic context (GRCh38, chr15:89,630,408, plus strand): 5'-GCCATGAGGTTCATCTCGCACTGGGACAGCAACGAGGCTGAGGCCCGAAGCACCCGCTGG[C>T]GGCATGTGATGGCCTCATTCTTATACTCAATGGCAGCATCCAGGGCCTCGATGGCCTCAT-3'
Protein context (NP_940927.2, residues 1056-1076): IEYKNEAITC[Arg1066His]QRVLRASASL

ClinVar aggregate classification (germline): Uncertain significance. Review status: criteria provided, multiple submitters, no conflicts (2 of 4 stars). 2 submissions from 2 submitters: Uncertain significance (2). Last evaluated 2024-03-06.

Conditions:
Acrocallosal syndrome (ACLS). Also called: HALLUX DUPLICATION, POSTAXIAL POLYDACTYLY, AND ABSENCE OF CORPUS CALLOSUM; Schinzel syndrome 1; Absence of corpus callosum with unusual facial appearance, mental deficiency, duplication of the halluces and polydactyly. Identifiers: Orphanet 36, MedGen C0796147, MONDO:0008708, OMIM 200990.
Hydrolethalus syndrome 2 (HLS2). Identifiers: Orphanet 2189, MedGen C3279899, MONDO:0013585, OMIM 614120.
Multiple epiphyseal dysplasia, Al-Gazali type. Also called: Macrocephaly with multiple epiphyseal dysplasia and distinctive facies. Identifiers: Orphanet 166024, MedGen C1846722, MONDO:0011778, OMIM 607131.

Allele frequency attached by ClinVar (database versions not stated): gnomAD exomes below 0.00001 and 0.00001; ExAC 0.00002; TOPMed 0.00002.
gnomAD v4.1: 6 of 1,610,576 alleles (0.00037%); highest among the groups gnomAD compares: African/African-American, 0.0013%; no homozygotes.

Submissions (2):

Fulgent Genetics
Classification: Uncertain significance for Acrocallosal syndrome; Multiple epiphyseal dysplasia, Al-Gazali type; Hydrolethalus syndrome 2. Last evaluated: 2024-03-06. Review status: criteria provided, single submitter. Criteria: ACMG Guidelines, 2015. Collection method: clinical testing. Allele origin: germline.

Labcorp Genetics (formerly Invitae), Labcorp
Classification: Uncertain significance for Acrocallosal syndrome. Last evaluated: 2020-11-04. Review status: criteria provided, single submitter. Criteria: Invitae Variant Classification Sherloc (09022015). Collection method: clinical testing. Allele origin: germline.
Comment: This variant is present in population databases (rs763937653, ExAC 0.004%). This variant has not been reported in the literature in individuals with KIF7-related conditions. Algorithms developed to predict the effect of missense changes on protein structure and function (SIFT, PolyPhen-2, Align-GVGD) all suggest that this variant is likely to be disruptive, but these predictions have not been confirmed by published functional studies and their clinical significance is uncertain. In summary, the available evidence is currently insufficient to determine the role of this variant in disease. Therefore, it has been classified as a Variant of Uncertain Significance. This sequence change replaces arginine with histidine at codon 1066 of the KIF7 protein (p.Arg1066His). The arginine residue is highly conserved and there is a small physicochemical difference between arginine and histidine.